The following is an entry in ClinVar:

ClinVar aggregate classification (germline): Likely benign. Review status: criteria provided, multiple submitters, no conflicts (2 of 4 stars). 2 submissions from 2 submitters: Likely benign (2). Last evaluated 2026-01-19.

Conditions:
Methylmalonic aciduria, cblB type (MACB). Also called: Methylmalonic acidemia cblB type; METHYLMALONIC ACIDURIA, VITAMIN B12-RESPONSIVE, DUE TO DEFECT IN SYNTHESIS OF ADENOSYLCOBALAMIN, cblB TYPE; Vitamin B12-responsive methylmalonic acidemia type cblB. Identifiers: Orphanet 28, Orphanet 79311, MedGen C1855102, MONDO:0009614, OMIM 251110.

gnomAD v4.1: 6 of 1,539,796 alleles (0.00039%); highest among the groups gnomAD compares: Admixed American, 0.0087%; no homozygotes.

Submissions (2):

Labcorp Genetics (formerly Invitae), Labcorp
Classification: Likely benign for Methylmalonic aciduria, cblB type. Last evaluated: 2026-01-19. Review status: criteria provided, single submitter. Criteria: Invitae Variant Classification Sherloc (09022015). Collection method: clinical testing. Allele origin: germline.

GeneDx
Classification: Likely benign. Last evaluated: 2017-04-26. Review status: criteria provided, single submitter. Criteria: GeneDx Variant Classification (06012015). Collection method: clinical testing. Allele origin: germline. Affected: yes.
Comment: This variant is considered likely benign or benign based on one or more of the following criteria: it is a conservative change, it occurs at a poorly conserved position in the protein, it is predicted to be benign by multiple in silico algorithms, and/or has population frequency not consistent with disease.

NM_052845.4(MMAB):c.561C>G (p.Ala187=)

Gene: MMAB (metabolism of cobalamin associated B; minus strand). Cytogenetic location: 12q24.11.
Variant type: single nucleotide variant.
Coding change: c.561C>G on transcript NM_052845.4 (MANE Select); coding-DNA position 561, C replaced by G.
Protein change: p.Ala187=; no amino-acid change (alanine 187 retained).
Molecular consequence: synonymous variant. On other transcripts: non-coding transcript variant (1).
Genome position (GRCh38, 1-based): chr12:109,561,063, G>C on the plus strand (C>G on the coding strand, the complement: MMAB is on the minus strand). VCF-style: chr12-109561063-G-C. GRCh37 (hg19) VCF-style: chr12-109998868-G-C.
Identifiers: ClinVar variation 508933 (VCV000508933.9), dbSNP rs370773720, ClinGen allele CA6778830.